The following is an entry in ClinVar:

ClinVar aggregate classification (germline): Benign (1 of 4 stars; one submission).

Conditions:
Deficiency of phosphoserine phosphatase (PSPHD). Also called: Phosphoserine phosphatase deficiency; PSPH deficiency. Identifiers: Orphanet 79350, MedGen C1291463, MONDO:0013531, OMIM 614023.

Allele frequency attached by ClinVar (database versions not stated): gnomAD 0.23299; 1000 Genomes Project 0.00020; ExAC 0.14697; 1000 Genomes Project 30x 0.35978.

Submission:

Illumina Laboratory Services, Illumina
Classification: Benign for Deficiency of phosphoserine phosphatase. Last evaluated: 2018-01-12. Review status: criteria provided, single submitter. Criteria: ICSL Variant Classification Criteria 13 December 2019. Collection method: clinical testing. Allele origin: germline.
Comment: This variant was observed in the ICSL laboratory as part of a predisposition screen in an ostensibly healthy population. It had not been previously curated by ICSL or reported in the Human Gene Mutation Database (HGMD: prior to June 1st, 2018), and was therefore a candidate for classification through an automated scoring system. Utilizing variant allele frequency, disease prevalence and penetrance estimates, and inheritance mode, an automated score was calculated to assess if this variant is too frequent to cause the disease. Based on the score and internal cut-off values, a variant classified as benign is not then subjected to further curation. The score for this variant resulted in a classification of benign for this disease.

NM_004577.4(PSPH):c.145C>T (p.Arg49Trp)

Gene: PSPH (phosphoserine phosphatase; minus strand). Cytogenetic location: 7p11.2.
Variant type: single nucleotide variant.
Coding change: c.145C>T on transcript NM_004577.4 (MANE Select); coding-DNA position 145, C replaced by T.
Protein change: p.Arg49Trp; replaces arginine 49 with tryptophan.
Molecular consequence: missense variant.
Genome position (GRCh38, 1-based): chr7:56,019,730, G>A on the plus strand (C>T on the coding strand, the complement: PSPH is on the minus strand). VCF-style: chr7-56019730-G-A. GRCh37 (hg19) VCF-style: chr7-56087423-G-A.
Other names: c.145C>T, p.Arg49Trp (NM_001370503.1, NM_001370504.1, NM_001370505.1 and 17 more transcripts); short protein forms R49W.
Identifiers: ClinVar variation 360510 (VCV000360510.5), dbSNP rs79451216, ClinGen allele CA4268755.
Genomic context (GRCh38, chr7:56,019,730, plus strand): 5'-TGAGGGCTAAGCGCTCTGTGAGAGCAGCTTTGAAAGGCACTGCCCCGCCCATGGCTCGCC[G>A]TGTCCTAGGAGGGAGACCCAACAGTCAGGCCAGCCAGGTCCGATGTCCTCAAGGTTAACA-3'
Protein context (NP_004568.2, residues 39-59): GVEDAVSEMT[Arg49Trp]RAMGGAVPFK